The following is an entry in ClinVar:

ClinVar aggregate classification (germline): Uncertain significance. Review status: criteria provided, multiple submitters, no conflicts (2 of 4 stars). 2 submissions from 2 submitters: Uncertain significance (2). Last evaluated 2022-04-26.

Conditions:
Spermatogenic failure 18. Identifiers: MedGen C4539783, MONDO:0054615, OMIM 617576.
Ciliary dyskinesia, primary, 37 (CILD37). Also called: CILIARY DYSKINESIA, PRIMARY, 37, WITH OR WITHOUT SITUS INVERSUS. Identifiers: MedGen C4539798, MONDO:0033204, OMIM 617577.

Allele frequency attached by ClinVar (database versions not stated): gnomAD 0.00019 and 0.00021; ExAC 0.00030; gnomAD exomes 0.00023 and 0.00040; TOPMed 0.00023.

Submissions (3):

Fulgent Genetics
Classification: Uncertain significance for Spermatogenic failure 18; Ciliary dyskinesia, primary, 37. Last evaluated: 2022-04-26. Review status: criteria provided, single submitter. Criteria: ACMG Guidelines, 2015. Collection method: clinical testing. Allele origin: unknown.

Laboratory for Molecular Medicine, Mass General Brigham Personalized Medicine
Classification: Uncertain significance. Last evaluated: 2016-03-29. Review status: criteria provided, single submitter. Criteria: LMM Criteria. Collection method: clinical testing. Allele origin: germline.
Comment: Variant identified in a genome or exome case(s) and assessed due to predicted null impact of the variant or pathogenic assertions in the literature or databases. Disclaimer: This variant has not undergone full assessment. The following are preliminary notes: Most likely indel with variant above.

Dr. Peter K. Rogan Lab, Western University
No classification provided (evidence only). Condition: Sarcoma. Review status: no classification provided. Collection method: in vitro. Allele origin: not applicable. Functional consequence: retained intron. Not counted in ClinVar's aggregate classification.

NM_015512.5(DNAH1):c.4086G>T (p.Arg1362=)

Gene: DNAH1 (dynein axonemal heavy chain 1; plus strand). Cytogenetic location: 3p21.1.
Variant type: single nucleotide variant.
Coding change: c.4086G>T on transcript NM_015512.5 (MANE Select); coding-DNA position 4086, G replaced by T.
Protein change: p.Arg1362=; no amino-acid change (arginine 1362 retained).
Molecular consequence: synonymous variant.
Genome position (GRCh38, 1-based): chr3:52,358,003, G>T. VCF-style: chr3-52358003-G-T. GRCh37 (hg19) VCF-style: chr3-52392019-G-T.
Identifiers: ClinVar variation 402610 (VCV000402610.6), dbSNP rs199813499, ClinGen allele CA2433797.